The following is an entry in ClinVar:

ClinVar aggregate classification (germline): Likely benign. Review status: criteria provided, multiple submitters, no conflicts (2 of 4 stars). 3 submissions from 3 submitters: Likely benign (3). Last evaluated 2025-10-01.

Conditions:
Familial thoracic aortic aneurysm and aortic dissection (TAAD). Also called: Thoracic aortic aneurysms and dissections. Identifiers: Orphanet 91387, MedGen C4707243, MONDO:0019625.
Ehlers-Danlos syndrome, classic type, 1 (EDSCL1). Also called: Ehlers-Danlos Syndrome, Classic Type, COL5A1-Related; EDS I; Ehlers-Danlos syndrome, type 1; EHLERS-DANLOS SYNDROME, GRAVIS TYPE; EHLERS-DANLOS SYNDROME, SEVERE CLASSIC TYPE. Identifiers: MedGen C0268335, MONDO:0019567, OMIM 130000.

Allele frequency attached by ClinVar (database versions not stated): gnomAD exomes below 0.00001.
gnomAD v4.1: 3 of 1,612,016 alleles (0.00019%); highest among the groups gnomAD compares: Non-Finnish European, 0.00025%; no homozygotes.

Submissions (3):

Labcorp Genetics (formerly Invitae), Labcorp
Classification: Likely benign for Ehlers-Danlos syndrome, classic type, 1. Last evaluated: 2025-10-01. Review status: criteria provided, single submitter. Criteria: Invitae Variant Classification Sherloc (09022015). Collection method: clinical testing. Allele origin: germline.

Ambry Genetics
Classification: Likely benign for Familial thoracic aortic aneurysm and aortic dissection. Last evaluated: 2024-03-14. Review status: criteria provided, single submitter. Criteria: Ambry Variant Classification Scheme 2023. Collection method: clinical testing. Allele origin: germline.

GeneDx
Classification: Likely benign. Last evaluated: 2017-11-27. Review status: criteria provided, single submitter. Criteria: GeneDx Variant Classification (06012015). Collection method: clinical testing. Allele origin: germline. Affected: yes.
Comment: This variant is considered likely benign or benign based on one or more of the following criteria: it is a conservative change, it occurs at a poorly conserved position in the protein, it is predicted to be benign by multiple in silico algorithms, and/or has population frequency not consistent with disease.

NM_000093.5(COL5A1):c.4197C>T (p.Gly1399=)

Gene: COL5A1 (collagen type V alpha 1 chain; plus strand). Cytogenetic location: 9q34.3.
Variant type: single nucleotide variant.
Coding change: c.4197C>T on transcript NM_000093.5 (MANE Select); coding-DNA position 4197, C replaced by T.
Protein change: p.Gly1399=; no amino-acid change (glycine 1399 retained).
Molecular consequence: synonymous variant.
Genome position (GRCh38, 1-based): chr9:134,817,798, C>T. VCF-style: chr9-134817798-C-T. GRCh37 (hg19) VCF-style: chr9-137709644-C-T.
Other names: c.4197C>T, p.Gly1399= (NM_001278074.1).
Identifiers: ClinVar variation 513557 (VCV000513557.13), dbSNP rs1397888531, ClinGen allele CA467663954.